The following is an entry in ClinVar:

NM_001384140.1(PCDH15):c.1305+2T>G

Gene: PCDH15 (protocadherin related 15; minus strand). Cytogenetic location: 10q21.1.
Variant type: single nucleotide variant.
Coding change: c.1305+2T>G on transcript NM_001384140.1 (MANE Select); the canonical splice donor site of the intron after coding-DNA position 1305, T replaced by G.
Molecular consequence: splice donor variant.
Genome position (GRCh38, 1-based): chr10:54,195,681, A>C on the plus strand (T>G on the coding strand, the complement: PCDH15 is on the minus strand). VCF-style: chr10-54195681-A-C. GRCh37 (hg19) VCF-style: chr10-55955441-A-C.
Other names: c.1305+2T>G (NM_001354420.2, NM_001354429.2, NM_001142772.2 and 7 more transcripts); c.1320+2T>G (NM_001142771.2, NM_001142769.3, NM_001142763.2); c.1239+2T>G (NM_001354404.2, NM_001142773.2, NM_001142768.2); c.1194+2T>G (NM_001142767.2).
Identifiers: ClinVar variation 1512276 (VCV001512276.8), dbSNP rs2049531217, ClinGen allele CA376518469.
Genomic context (GRCh38, chr10:54,195,681, plus strand): 5'-TCCCATTAATGGAAATATGAGATTTGTTACACAAACAAGAGCAAAATATGTATTTAACTT[A>C]CATCTTCTATGTCCTTGTCCAGAGCTACTATTCTTAAAGGTGAAGTCAAATTGAGACTGT-3'

ClinVar aggregate classification (germline): Likely pathogenic (1 of 4 stars; one submission).

Submission:

Labcorp Genetics (formerly Invitae), Labcorp
Classification: Likely pathogenic. Last evaluated: 2021-05-21. Review status: criteria provided, single submitter. Criteria: Invitae Variant Classification Sherloc (09022015). Collection method: clinical testing. Allele origin: germline.
Comment: In summary, the currently available evidence indicates that the variant is pathogenic, but additional data are needed to prove that conclusively. Therefore, this variant has been classified as Likely Pathogenic. Algorithms developed to predict the effect of sequence changes on RNA splicing suggest that this variant may disrupt the consensus splice site, but this prediction has not been confirmed by published transcriptional studies. This variant has not been reported in the literature in individuals with PCDH15-related conditions. This variant is not present in population databases (ExAC no frequency). This sequence change affects a donor splice site in intron 11 of the PCDH15 gene. It is expected to disrupt RNA splicing. Variants that disrupt the donor or acceptor splice site typically lead to a loss of protein function (PMID: 16199547), and loss-of-function variants in PCDH15 are known to be pathogenic (PMID: 11398101, 11487575, 14570705).

Literature cited by the submitters: PubMed 16199547; PubMed 11398101; PubMed 11487575; PubMed 14570705.